The following is an entry in ClinVar:

ClinVar aggregate classification (germline): Likely pathogenic (1 of 4 stars; one submission).

Conditions:
Intellectual developmental disorder, autosomal dominant 50, with behavioral abnormalities. Also called: Intellectual disability, autosomal dominant 50; MENTAL RETARDATION, AUTOSOMAL DOMINANT 50. Identifiers: MedGen C4540470, MONDO:0030916, OMIM 617787.

Submission:

Victorian Clinical Genetics Services, Murdoch Childrens Research Institute
Classification: Likely pathogenic for Intellectual developmental disorder, autosomal dominant 50, with behavioral abnormalities. Last evaluated: 2024-10-11. Review status: criteria provided, single submitter. Criteria: ACMG Guidelines, 2015. Collection method: clinical testing. Allele origin: germline. Inheritance: Autosomal dominant inheritance. Affected: yes.
Comment: Based on the classification scheme VCGS_Germline_v1.3.5, this variant is classified as Likely pathogenic. Following criteria are met: 0102 - Loss of function is a known mechanism of disease in this gene and is associated with intellectual developmental disorder, autosomal dominant 50, with behavioural abnormalities (MIM#617787). (I) 0107 - This gene is associated with autosomal dominant disease. (I) 0115 - Variants in this gene are known to have variable expressivity (OMIM). (I) 0211 - Canonical splice site variant without proven consequence on splicing (no functional evidence available). (SP) 0251 - This variant is heterozygous. (I) 0301 - Variant is absent from gnomAD (v2, v3 and v4). (SP) 0505 - Abnormal splicing is predicted by in silico tools and affected nucleotide is highly conserved. (SP) 0705 - No comparable splice site variants have previous evidence for pathogenicity. (I) 0807 - This variant has no previous evidence of pathogenicity. (I) 0905 - No published segregation evidence has been identified for this variant. (I) 1007 - No published functional evidence has been identified for this variant. (SP) Legend: (SP) - Supporting pathogenic, (I) - Information, (SB) - Supporting benign

NM_057175.5(NAA15):c.245-2A>C

Gene: NAA15 (N-alpha-acetyltransferase 15, NatA auxiliary subunit; plus strand). Cytogenetic location: 4q31.1.
Variant type: single nucleotide variant.
Coding change: c.245-2A>C on transcript NM_057175.5 (MANE Select); the canonical splice acceptor site of the intron before coding-DNA position 245, A replaced by C.
Molecular consequence: splice acceptor variant.
Genome position (GRCh38, 1-based): chr4:139,340,910, A>C. VCF-style: chr4-139340910-A-C. GRCh37 (hg19) VCF-style: chr4-140262064-A-C.
Other names: c.245-2A>C (NM_001410842.1).
Identifiers: ClinVar variation 3377099 (VCV003377099.1).
Genomic context (GRCh38, chr4:139,340,910, plus strand): 5'-GGGAGGTCGTTTGGAATAGTAATTTTTGACTTGTAGGTTGTACCCTTAACTAAATTCTTT[A>C]GGTTGGCACGTTTATGGCCTTCTTCAGAGGTCAGACAAGAAGTATGATGAAGCCATTAAG-3'